The following is an entry in ClinVar:

NM_001205293.3(CACNA1E):c.1375C>T (p.Arg459Trp)

Gene: CACNA1E (calcium voltage-gated channel subunit alpha1 E; plus strand). Cytogenetic location: 1q25.3.
Variant type: single nucleotide variant.
Coding change: c.1375C>T on transcript NM_001205293.3 (MANE Select); coding-DNA position 1375, C replaced by T.
Protein change: p.Arg459Trp; replaces arginine 459 with tryptophan.
Molecular consequence: missense variant.
Genome position (GRCh38, 1-based): chr1:181,717,152, C>T. VCF-style: chr1-181717152-C-T. GRCh37 (hg19) VCF-style: chr1-181686288-C-T.
Other names: c.1375C>T, p.Arg459Trp (NM_000721.4, NM_001205294.2); short protein forms R459W.
Identifiers: ClinVar variation 1928132 (VCV001928132.5), dbSNP rs1458093500, ClinGen allele CA343624898.

ClinVar aggregate classification (germline): Uncertain significance (1 of 4 stars; one submission).

Allele frequency attached by ClinVar (database versions not stated): gnomAD exomes 0.00001; TOPMed 0.00001.

Submission:

Labcorp Genetics (formerly Invitae), Labcorp
Classification: Uncertain significance. Last evaluated: 2022-08-22. Review status: criteria provided, single submitter. Criteria: Invitae Variant Classification Sherloc (09022015). Collection method: clinical testing. Allele origin: germline.
Comment: In summary, the available evidence is currently insufficient to determine the role of this variant in disease. Therefore, it has been classified as a Variant of Uncertain Significance. Algorithms developed to predict the effect of missense changes on protein structure and function are either unavailable or do not agree on the potential impact of this missense change (SIFT: "Deleterious"; PolyPhen-2: "Probably Damaging"; Align-GVGD: "Class C0"). This variant has not been reported in the literature in individuals affected with CACNA1E-related conditions. This variant is not present in population databases (gnomAD no frequency). This sequence change replaces arginine, which is basic and polar, with tryptophan, which is neutral and slightly polar, at codon 459 of the CACNA1E protein (p.Arg459Trp).